The following is an entry in ClinVar:

NM_002907.4(RECQL):c.289C>T (p.Leu97Phe)

Gene: RECQL (RecQ like helicase; minus strand). Cytogenetic location: 12p12.1.
Variant type: single nucleotide variant.
Coding change: c.289C>T on transcript NM_002907.4 (MANE Select); coding-DNA position 289, C replaced by T.
Protein change: p.Leu97Phe; replaces leucine 97 with phenylalanine.
Molecular consequence: missense variant.
Genome position (GRCh38, 1-based): chr12:21,490,304, G>A on the plus strand (C>T on the coding strand, the complement: RECQL is on the minus strand). VCF-style: chr12-21490304-G-A. GRCh37 (hg19) VCF-style: chr12-21643238-G-A.
Other names: c.289C>T, p.Leu97Phe (NM_032941.3); short protein forms L97F.
Identifiers: ClinVar variation 1797391 (VCV001797391.7), dbSNP rs2540400074, ClinGen allele CA384133069.
Genomic context (GRCh38, chr12:21,490,304, plus strand): 5'-CTCCTGTAGGCATAACAAGAAATACCTCCTTTCCAGCCATTGTTACGTTAATAGTTTCAA[G>A]CTGAAGTGGTCTGAACTTTTCCAGTTTAAAGACATTTTGCAGAATATCTTTAACTTTACC-3'
Protein context (NP_002898.2, residues 87-107): FKLEKFRPLQ[Leu97Phe]ETINVTMAGK

ClinVar aggregate classification (germline): Uncertain significance. Review status: criteria provided, multiple submitters, no conflicts (2 of 4 stars). 2 submissions from 2 submitters: Uncertain significance (2). Last evaluated 2022-08-23.

Submissions (2):

Ambry Genetics
Classification: Uncertain significance. Last evaluated: 2022-08-23. Review status: criteria provided, single submitter. Criteria: Ambry Variant Classification Scheme 2023. Collection method: clinical testing. Allele origin: germline.
Comment: The p.L97F variant (also known as c.289C>T), located in coding exon 3 of the RECQL gene, results from a C to T substitution at nucleotide position 289. The leucine at codon 97 is replaced by phenylalanine, an amino acid with highly similar properties. This amino acid position is conserved. In addition, the in silico prediction for this alteration is inconclusive. Since supporting evidence is limited at this time, the clinical significance of this alteration remains unclear.

Labcorp Genetics (formerly Invitae), Labcorp
Classification: Uncertain significance. Last evaluated: 2022-05-03. Review status: criteria provided, single submitter. Criteria: Invitae Variant Classification Sherloc (09022015). Collection method: clinical testing. Allele origin: germline.
Comment: Algorithms developed to predict the effect of missense changes on protein structure and function are either unavailable or do not agree on the potential impact of this missense change (SIFT: "Deleterious"; PolyPhen-2: "Probably Damaging"; Align-GVGD: "Class C0"). In summary, the available evidence is currently insufficient to determine the role of this variant in disease. Therefore, it has been classified as a Variant of Uncertain Significance. This variant has not been reported in the literature in individuals affected with RECQL-related conditions. This sequence change replaces leucine, which is neutral and non-polar, with phenylalanine, which is neutral and non-polar, at codon 97 of the RECQL protein (p.Leu97Phe). This variant is not present in population databases (gnomAD no frequency).